The following is an entry in ClinVar:

NM_006509.4(RELB):c.1123G>A (p.Val375Met)

Gene: RELB (RELB proto-oncogene, NF-kB subunit; plus strand). Cytogenetic location: 19q13.32.
Variant type: single nucleotide variant.
Coding change: c.1123G>A on transcript NM_006509.4 (MANE Select); coding-DNA position 1123, G replaced by A.
Protein change: p.Val375Met; replaces valine 375 with methionine.
Molecular consequence: missense variant.
Genome position (GRCh38, 1-based): chr19:45,032,665, G>A. VCF-style: chr19-45032665-G-A. GRCh37 (hg19) VCF-style: chr19-45535923-G-A.
Other names: c.1114G>A, p.Val372Met (NM_001411087.1); short protein forms V375M, V372M.
Identifiers: ClinVar variation 4761150 (VCV004761150.1).

ClinVar aggregate classification (germline): Uncertain significance (1 of 4 stars; one submission).

gnomAD v4.1: 4 of 1,611,986 alleles (0.00025%); highest among the groups gnomAD compares: Admixed American, 0.0017%; no homozygotes.

Submission:

Labcorp Genetics (formerly Invitae), Labcorp
Classification: Uncertain significance. Last evaluated: 2025-08-16. Review status: criteria provided, single submitter. Criteria: Invitae Variant Classification Sherloc (09022015). Collection method: clinical testing. Allele origin: germline.
Comment: This sequence change replaces valine, which is neutral and non-polar, with methionine, which is neutral and non-polar, at codon 375 of the RELB protein (p.Val375Met). This variant is not present in population databases (gnomAD no frequency). This variant has not been reported in the literature in individuals affected with RELB-related conditions. An algorithm developed to predict the effect of missense changes on protein structure and function (PolyPhen-2) suggests that this variant is likely to be disruptive. In summary, the available evidence is currently insufficient to determine the role of this variant in disease. Therefore, it has been classified as a Variant of Uncertain Significance.